The following is an entry in ClinVar:

ClinVar aggregate classification (germline): Uncertain significance. Review status: criteria provided, multiple submitters, no conflicts (2 of 4 stars). 2 submissions from 2 submitters: Uncertain significance (2). Last evaluated 2025-07-15.

Conditions:
Inborn genetic diseases. Identifiers: MedGen C0950123, MeSH D030342.

Submissions (2):

Ambry Genetics
Classification: Uncertain significance for Inborn genetic diseases. Last evaluated: 2025-07-15. Review status: criteria provided, single submitter. Criteria: Ambry Variant Classification Scheme 2023. Collection method: clinical testing. Allele origin: germline.

Labcorp Genetics (formerly Invitae), Labcorp
Classification: Uncertain significance. Last evaluated: 2022-03-03. Review status: criteria provided, single submitter. Criteria: Invitae Variant Classification Sherloc (09022015). Collection method: clinical testing. Allele origin: germline.
Comment: In summary, the available evidence is currently insufficient to determine the role of this variant in disease. Therefore, it has been classified as a Variant of Uncertain Significance. Algorithms developed to predict the effect of missense changes on protein structure and function are either unavailable or do not agree on the potential impact of this missense change (SIFT: "Tolerated"; PolyPhen-2: "Possibly Damaging"; Align-GVGD: "Class C0"). ClinVar contains an entry for this variant (Variation ID: 1054631). This variant has not been reported in the literature in individuals affected with ATF6-related conditions. This variant is not present in population databases (gnomAD no frequency). This sequence change replaces methionine, which is neutral and non-polar, with leucine, which is neutral and non-polar, at codon 452 of the ATF6 protein (p.Met452Leu).

NM_007348.4(ATF6):c.1354A>T (p.Met452Leu)

Gene: ATF6 (activating transcription factor 6; plus strand). Cytogenetic location: 1q23.3.
Variant type: single nucleotide variant.
Coding change: c.1354A>T on transcript NM_007348.4 (MANE Select); coding-DNA position 1354, A replaced by T.
Protein change: p.Met452Leu; replaces methionine 452 with leucine.
Molecular consequence: missense variant.
Genome position (GRCh38, 1-based): chr1:161,851,756, A>T. VCF-style: chr1-161851756-A-T. GRCh37 (hg19) VCF-style: chr1-161821546-A-T.
Other names: c.1354A>T (NM_007348.3); short protein forms M452L.
Identifiers: ClinVar variation 1054631 (VCV001054631.5), dbSNP rs778398447, ClinGen allele CA31724710.